The following is an entry in ClinVar:

ClinVar aggregate classification (germline): Conflicting classifications of pathogenicity. Review status: criteria provided, conflicting classifications (1 of 4 stars). 3 submissions from 3 submitters: Likely pathogenic (1); Uncertain significance (2). Last evaluated 2024-06-29.

Conditions:
Intellectual developmental disorder, X-linked, syndromic, Turner type. Also called: X-linked intellectual disability, Turner type; Intellectual disability, X-linked syndromic, Turner type. Identifiers: Orphanet 3056, Orphanet 85328, MedGen C2678046, MONDO:0010407, OMIM 309590.
Abnormal corpus callosum morphology. Also called: Corpus callosum abnormalities; Abnormality of the corpus callosum. Identifiers: MedGen C1842581, HP:0001273.

Allele frequency attached by ClinVar (database versions not stated): gnomAD exomes below 0.00001 and 0.00001; gnomAD 0.00002; TOPMed 0.00001.
gnomAD v4.1: 4 of 1,209,697 alleles (0.00033%); highest among the groups gnomAD compares: South Asian, 0.0018%; no homozygotes.

Submissions (3):

GeneDx
Classification: Uncertain significance. Last evaluated: 2024-06-29. Review status: criteria provided, single submitter. Criteria: GeneDx Variant Classification Process June 2021. Collection method: clinical testing. Allele origin: germline. Affected: yes.
Comment: In silico analysis supports that this missense variant has a deleterious effect on protein structure/function; This variant is associated with the following publications: (PMID: 35229910)

Neuberg Centre For Genomic Medicine, NCGM
Classification: Uncertain significance for Intellectual developmental disorder, X-linked, syndromic, Turner type. Last evaluated: 2023-05-20. Review status: criteria provided, single submitter. Criteria: ACMG Guidelines, 2015. Collection method: clinical testing. Allele origin: germline. Inheritance: X-linked inheritance. Affected: yes.
Comment: The observed missense c.12980G>A(p.Arg4327Gln) variant in HUWE1 gene has been reported previously in X-linked state in individual(s) affected with central nervous system (CNS) anomalies (Yaron et al., 2022). This variant is reported with the allele frequency of 0.001% in the gnomAD Exomes. This variant has been reported to the ClinVar database as Likely Pathogenic / Uncertain Significance. However, study of the variant in multiple affected individuals and its functional impact on the protein is required to determine the pathogenicity of the variant. The amino acid Arg at position 4327 is changed to a Gln changing protein sequence and it might alter its composition and physico-chemical properties. The amino acid change p.Arg4327Gln in HUWE1 is predicted as conserved by GERP++ and PhyloP across 100 vertebrates. Multiple lines of computational evidence (Polyphen - Damaging, SIFT - Damaging, and MutationTaster - Disease causing) predict a damaging effect on protein structure and function for this variant. For these reasons, this variant has been classified as Uncertain Significance.

Genetics Institute, Tel Aviv Sourasky Medical Center
Classification: Likely pathogenic for Abnormal corpus callosum morphology. Last evaluated: 2021-05-12. Review status: criteria provided, single submitter. Criteria: ACMG Guidelines, 2015. Collection method: clinical testing. Allele origin: maternal. Inheritance: X-linked inheritance.

NM_031407.7(HUWE1):c.12980G>A (p.Arg4327Gln)

Gene: HUWE1 (HECT, UBA and WWE domain containing E3 ubiquitin protein ligase 1; minus strand). Cytogenetic location: Xp11.22.
Variant type: single nucleotide variant.
Coding change: c.12980G>A on transcript NM_031407.7 (MANE Select); coding-DNA position 12980, G replaced by A.
Protein change: p.Arg4327Gln; replaces arginine 4327 with glutamine.
Molecular consequence: missense variant.
Genome position (GRCh38, 1-based): chrX:53,534,049, C>T on the plus strand (G>A on the coding strand, the complement: HUWE1 is on the minus strand). VCF-style: chrX-53534049-C-T. GRCh37 (hg19) VCF-style: chrX-53561010-C-T.
Other names: short protein forms R4327Q.
Identifiers: ClinVar variation 1077131 (VCV001077131.7), dbSNP rs1290768701, ClinGen allele CA413143805.